The following is an entry in ClinVar:

NM_004370.6(COL12A1):c.9166G>A (p.Gly3056Arg)

Gene: COL12A1 (collagen type XII alpha 1 chain; minus strand). Cytogenetic location: 6q13.
Variant type: single nucleotide variant.
Coding change: c.9166G>A on transcript NM_004370.6 (MANE Select); coding-DNA position 9166, G replaced by A.
Protein change: p.Gly3056Arg; replaces glycine 3056 with arginine.
Molecular consequence: missense variant.
Genome position (GRCh38, 1-based): chr6:75,087,592, C>T on the plus strand (G>A on the coding strand, the complement: COL12A1 is on the minus strand). VCF-style: chr6-75087592-C-T. GRCh37 (hg19) VCF-style: chr6-75797308-C-T.
Other names: p.Gly3056Arg; c.5674G>A, p.Gly1892Arg (NM_080645.3); short protein forms G1892R, G3056R.
Identifiers: ClinVar variation 2504938 (VCV002504938.5), dbSNP rs751344618, ClinGen allele CA3892010.
Genomic context (GRCh38, chr6:75,087,592, plus strand): 5'-CTTTACTTCAGGTGAGTTGGGGTTCCTACAATGGCAACAACGTACCTGGATAGCCTTGCC[C>T]GTTGTATGGGATGCTGGCACACTGAGAAGAATCACAGTATCCAGGAGGACCTGGGGGTCC-3'
Protein context (NP_004361.3, residues 3046-3063): SSQCASIPYN[Gly3056Arg]QGYPGSG

ClinVar aggregate classification (germline): Conflicting classifications of pathogenicity. Review status: criteria provided, conflicting classifications (1 of 4 stars). 4 submissions from 4 submitters: Uncertain significance (3); Benign (1). Last evaluated 2025-12-31.

Conditions:
Inborn genetic diseases. Identifiers: MedGen C0950123, MeSH D030342.
Ullrich congenital muscular dystrophy 2 (UCMD2). Identifiers: Orphanet 75840, MedGen C4225314, MONDO:0014654, OMIM 616470.
Bethlem myopathy 2 (BTHLM2). Identifiers: Orphanet 536516, Orphanet 610, MedGen C4225313, MONDO:0034022, OMIM 616471.

Allele frequency attached by ClinVar (database versions not stated): ExAC 0.00002; TOPMed 0.00004; gnomAD 0.00002; gnomAD exomes 0.00005.
gnomAD v4.1: 71 of 1,613,604 alleles (0.0044%); highest among the groups gnomAD compares: Non-Finnish European, 0.0057%; no homozygotes.

Submissions (4):

Labcorp Genetics (formerly Invitae), Labcorp
Classification: Benign for Bethlem myopathy 2; Ullrich congenital muscular dystrophy 2. Last evaluated: 2025-12-31. Review status: criteria provided, single submitter. Criteria: Invitae Variant Classification Sherloc (09022015). Collection method: clinical testing. Allele origin: germline.

Mayo Clinic Laboratories, Mayo Clinic
Classification: Uncertain significance. Last evaluated: 2025-06-11. Review status: criteria provided, single submitter. Criteria: ACMG Guidelines, 2015. Collection method: clinical testing. Allele origin: germline. Observed: 3 variant alleles.

Ambry Genetics
Classification: Uncertain significance for Inborn genetic diseases. Last evaluated: 2025-04-28. Review status: criteria provided, single submitter. Criteria: Ambry Variant Classification Scheme 2023. Collection method: clinical testing. Allele origin: germline.

GeneDx
Classification: Uncertain significance. Last evaluated: 2023-05-17. Review status: criteria provided, single submitter. Criteria: GeneDx Variant Classification Process June 2021. Collection method: clinical testing. Allele origin: germline. Affected: yes.
Comment: Has not been previously published as pathogenic or benign to our knowledge; In silico analysis supports that this missense variant has a deleterious effect on protein structure/function